The following is an entry in ClinVar:

ClinVar aggregate classification (germline): Benign (1 of 4 stars; one submission).

Conditions:
Leigh syndrome (NULS). Also called: Leigh's necrotizing encephalopathy; Leigh's disease; Leigh's syndrome; LEIGH SYNDROME, NUCLEAR; Leigh Syndrome (mtDNA deletion); Leigh Disease. Identifiers: Orphanet 506, MedGen C2931891, MONDO:0009723, OMIM 256000.

Submission:

Wong Mito Lab, Molecular and Human Genetics, Baylor College of Medicine
Classification: Benign for Leigh syndrome. Last evaluated: 2019-10-17. Review status: criteria provided, single submitter. Criteria: Modified ACMG Guidelines (Unpublished). Collection method: clinical testing. Allele origin: germline.
Comment: The NC_012920.1:m.14769A>G (YP_003024038.1:p.Asn8Ser) variant in MTCYB gene is interpretated to be a Benign variant based on the modified ACMG guidelines (unpublished). This variant meets the following evidence codes: BA1

NC_012920.1(MT-CYB):m.14769A>G

Gene: MT-CYB (mitochondrially encoded cytochrome b; plus strand).
Variant type: single nucleotide variant.
Genome position: chrM-14769-A-G.
Identifiers: ClinVar variation 693761 (VCV000693761.1), dbSNP rs28357679, ClinGen allele CA337100150.